The following is an entry in ClinVar:

ClinVar aggregate classification (germline): Uncertain significance (1 of 4 stars; one submission).

Conditions:
Colorectal cancer, hereditary nonpolyposis, type 7. Identifiers: Orphanet 144, MedGen C1858380, MONDO:0013725, OMIM 614385.

Allele frequency attached by ClinVar (database versions not stated): TOPMed below 0.00001; gnomAD 0.00001.
gnomAD v4.1: 1 of 1,614,032 alleles (0.000062%); highest among the groups gnomAD compares: Non-Finnish European, 0.000085%; no homozygotes.

Submission:

Labcorp Genetics (formerly Invitae), Labcorp
Classification: Uncertain significance for Colorectal cancer, hereditary nonpolyposis, type 7. Last evaluated: 2020-10-28. Review status: criteria provided, single submitter. Criteria: Invitae Variant Classification Sherloc (09022015). Collection method: clinical testing. Allele origin: germline.
Comment: This sequence change replaces phenylalanine with serine at codon 211 of the MLH3 protein (p.Phe211Ser). The phenylalanine residue is highly conserved and there is a large physicochemical difference between phenylalanine and serine. This variant is not present in population databases (ExAC no frequency). This variant has not been reported in the literature in individuals with MLH3-related conditions. Algorithms developed to predict the effect of missense changes on protein structure and function are either unavailable or do not agree on the potential impact of this missense change (SIFT: "Deleterious"; PolyPhen-2: "Probably Damaging"; Align-GVGD: "Class C0"). In summary, the available evidence is currently insufficient to determine the role of this variant in disease. Therefore, it has been classified as a Variant of Uncertain Significance.

NM_001040108.2(MLH3):c.632T>C (p.Phe211Ser)

Gene: MLH3 (mutL homolog 3; minus strand). Cytogenetic location: 14q24.3.
Variant type: single nucleotide variant.
Coding change: c.632T>C on transcript NM_001040108.2 (MANE Select); coding-DNA position 632, T replaced by C.
Protein change: p.Phe211Ser; replaces phenylalanine 211 with serine.
Molecular consequence: missense variant.
Genome position (GRCh38, 1-based): chr14:75,049,024, A>G on the plus strand (T>C on the coding strand, the complement: MLH3 is on the minus strand). VCF-style: chr14-75049024-A-G. GRCh37 (hg19) VCF-style: chr14-75515727-A-G.
Other names: c.632T>C, p.Phe211Ser (NM_014381.3); short protein forms F211S.
Identifiers: ClinVar variation 1044300 (VCV001044300.8), dbSNP rs1892472757, ClinGen allele CA390449741.